The following is an entry in ClinVar:

NM_001999.4(FBN2):c.532+1G>A

Gene: FBN2 (fibrillin 2; minus strand). Cytogenetic location: 5q23.3.
Variant type: single nucleotide variant.
Coding change: c.532+1G>A on transcript NM_001999.4 (MANE Select); the canonical splice donor site of the intron after coding-DNA position 532, G replaced by A.
Molecular consequence: splice donor variant.
Genome position (GRCh38, 1-based): chr5:128,527,871, C>T on the plus strand (G>A on the coding strand, the complement: FBN2 is on the minus strand). VCF-style: chr5-128527871-C-T. GRCh37 (hg19) VCF-style: chr5-127863564-C-T.
Identifiers: ClinVar variation 2915905 (VCV002915905.3), dbSNP rs759689709, ClinGen allele CA3396097.

ClinVar aggregate classification (germline): Uncertain significance (1 of 4 stars; one submission).

Conditions:
Congenital contractural arachnodactyly (CCA). Also called: BEALS SYNDROME; Arthrogryposis, distal, type 9; Beals-Hecht syndrome. Identifiers: Orphanet 115, MedGen C0220668, MONDO:0007363, OMIM 121050.

Allele frequency attached by ClinVar (database versions not stated): ExAC 0.00001; TOPMed 0.00001.
gnomAD v4.1: 15 of 1,584,856 alleles (0.00095%); highest among the groups gnomAD compares: Non-Finnish European, 0.0012%; no homozygotes.

Submission:

Labcorp Genetics (formerly Invitae), Labcorp
Classification: Uncertain significance for Congenital contractural arachnodactyly. Last evaluated: 2022-12-15. Review status: criteria provided, single submitter. Criteria: Invitae Variant Classification Sherloc (09022015). Collection method: clinical testing. Allele origin: germline.
Comment: In summary, the available evidence is currently insufficient to determine the role of this variant in disease. Therefore, it has been classified as a Variant of Uncertain Significance. Algorithms developed to predict the effect of sequence changes on RNA splicing suggest that this variant may disrupt the consensus splice site. This variant has not been reported in the literature in individuals affected with FBN2-related conditions. This variant is present in population databases (rs759689709, gnomAD 0.003%). This sequence change affects a donor splice site in intron 4 of the FBN2 gene. It is expected to disrupt RNA splicing. Variants that disrupt the donor or acceptor splice site typically lead to a loss of protein function (PMID: 16199547), however the current clinical and genetic evidence is not sufficient to establish whether loss-of-function variants in FBN2 cause disease.

Literature cited by the submitters: PubMed 16199547.